The following is an entry in ClinVar:

ClinVar aggregate classification (germline): Likely benign (0 of 4 stars; one submission).

Conditions:
PTPN14-related disorder. Also called: PTPN14-related condition.

Allele frequency attached by ClinVar (database versions not stated): gnomAD exomes below 0.00001; TOPMed 0.00001.
gnomAD v4.1: 3 of 1,614,114 alleles (0.00019%); highest among the groups gnomAD compares: Admixed American, 0.0017%; no homozygotes.

Submission:

PreventionGenetics, part of Exact Sciences
Classification: Likely benign for PTPN14-related condition. Last evaluated: 2019-02-28. Review status: no assertion criteria provided. Collection method: clinical testing. Allele origin: germline.
Comment: This variant is classified as likely benign based on ACMG/AMP sequence variant interpretation guidelines (Richards et al. 2015 PMID: 25741868, with internal and published modifications).

NM_005401.5(PTPN14):c.1152C>A (p.Thr384=)

Gene: PTPN14 (protein tyrosine phosphatase non-receptor type 14; minus strand). Cytogenetic location: 1q32.3.
Variant type: single nucleotide variant.
Coding change: c.1152C>A on transcript NM_005401.5 (MANE Select); coding-DNA position 1152, C replaced by A.
Protein change: p.Thr384=; no amino-acid change (threonine 384 retained).
Molecular consequence: synonymous variant.
Genome position (GRCh38, 1-based): chr1:214,384,703, G>T on the plus strand (C>A on the coding strand, the complement: PTPN14 is on the minus strand). VCF-style: chr1-214384703-G-T. GRCh37 (hg19) VCF-style: chr1-214558046-G-T.
Identifiers: ClinVar variation 3057391 (VCV003057391.2), dbSNP rs781130258, ClinGen allele CA423304834.